The following is an entry in ClinVar:

ClinVar aggregate classification (germline): Uncertain significance. Review status: criteria provided, multiple submitters, no conflicts (2 of 4 stars). 2 submissions from 2 submitters: Uncertain significance (2). Last evaluated 2026-01-19.

Conditions:
Pulmonary fibrosis and/or bone marrow failure, Telomere-related, 3. Also called: PULMONARY FIBROSIS AND/OR BONE MARROW FAILURE SYNDROME, TELOMERE-RELATED, 3. Identifiers: Orphanet 2032, MedGen C4225346, MONDO:0014613, OMIM 616373.
Dyskeratosis congenita, autosomal recessive 5 (DKCB5). Identifiers: MedGen C3554656, MONDO:0014076, OMIM 615190.

Allele frequency attached by ClinVar (database versions not stated): gnomAD exomes below 0.00001; gnomAD 0.00001; TOPMed 0.00001.
gnomAD v4.1: 19 of 1,612,520 alleles (0.0012%); highest among the groups gnomAD compares: Non-Finnish European, 0.0014%; no homozygotes.

Submissions (2):

Labcorp Genetics (formerly Invitae), Labcorp
Classification: Uncertain significance for Dyskeratosis congenita, autosomal recessive 5; Pulmonary fibrosis and/or bone marrow failure, Telomere-related, 3. Last evaluated: 2026-01-19. Review status: criteria provided, single submitter. Criteria: Invitae Variant Classification Sherloc (09022015). Collection method: clinical testing. Allele origin: germline.
Comment: This sequence change replaces alanine, which is neutral and non-polar, with glycine, which is neutral and non-polar, at codon 902 of the RTEL1 protein (p.Ala902Gly). This variant is present in population databases (no rsID available, gnomAD 0.0009%). This missense change has been observed in individual(s) with clinical features of bone marrow failure (PMID: 29344583). ClinVar contains an entry for this variant (Variation ID: 436592). An algorithm developed to predict the effect of missense changes on protein structure and function (PolyPhen-2) suggests that this variant is likely to be tolerated. In summary, the available evidence is currently insufficient to determine the role of this variant in disease. Therefore, it has been classified as a Variant of Uncertain Significance.

Genetic Services Laboratory, University of Chicago
Classification: Uncertain significance. Last evaluated: 2016-02-23. Review status: criteria provided, single submitter. Criteria: ACMG Guidelines, 2015. Collection method: clinical testing. Allele origin: germline. Affected: no.

Literature cited by the submitters: PubMed 29344583 (cited by Labcorp Genetics (formerly Invitae), Labcorp).

NM_001283009.2(RTEL1):c.2705C>G (p.Ala902Gly)

Genes: RTEL1 (regulator of telomere elongation helicase 1; plus strand), RTEL1-TNFRSF6B (RTEL1-TNFRSF6B readthrough (NMD candidate); plus strand). Cytogenetic location: 20q13.33.
Variant type: single nucleotide variant.
Coding change: c.2705C>G on transcript NM_001283009.2 (MANE Select); coding-DNA position 2705, C replaced by G.
Protein change: p.Ala902Gly; replaces alanine 902 with glycine.
Molecular consequence: missense variant. On other transcripts: non-coding transcript variant (1).
Genome position (GRCh38, 1-based): chr20:63,692,857, C>G. VCF-style: chr20-63692857-C-G. GRCh37 (hg19) VCF-style: chr20-62324210-C-G.
Other names: c.2036C>G, p.Ala679Gly (NM_001283010.1); c.2705C>G, p.Ala902Gly (NM_016434.4); c.2777C>G, p.Ala926Gly (NM_032957.5); short protein forms A902G, A926G, A679G.
Identifiers: ClinVar variation 436592 (VCV000436592.9), dbSNP rs1394884130, ClinGen allele CA409682877.